The following is an entry in ClinVar:

ClinVar aggregate classification (germline): Pathogenic/Likely pathogenic. Review status: criteria provided, multiple submitters, no conflicts (2 of 4 stars). 3 submissions from 3 submitters: Pathogenic (2); Likely pathogenic (1). Last evaluated 2026-07-01.

Conditions:
Glutaric aciduria, type 1. Also called: Glutaricaciduria, type I; GA I; Glutaricacidemia Type 1; Glutaric acidemia type I; Glutaryl-CoA dehydrogenase deficiency; Glutaric Acidemia Type 1. Identifiers: Orphanet 25, MedGen C0268595, MONDO:0009281, OMIM 231670.

Allele frequency attached by ClinVar (database versions not stated): TOPMed 0.00003; gnomAD exomes 0.00005 and 0.00001; ExAC 0.00001; gnomAD 0.00003.

Submissions (3):

CeGaT Center for Human Genetics Tuebingen
Classification: Pathogenic. Last evaluated: 2026-07-01. Review status: criteria provided, single submitter. Criteria: CeGaT Center For Human Genetics Tuebingen Variant Classification Criteria Version 2. Collection method: clinical testing. Allele origin: germline. Affected: yes. Observed: 1 variant allele.
Comment: GCDH: PM3:Very Strong, PM2, PS3:Supporting

Labcorp Genetics (formerly Invitae), Labcorp
Classification: Pathogenic for Glutaric aciduria, type 1. Last evaluated: 2025-12-02. Review status: criteria provided, single submitter. Criteria: Invitae Variant Classification Sherloc (09022015). Collection method: clinical testing. Allele origin: germline.
Comment: This sequence change replaces cysteine, which is neutral and slightly polar, with tyrosine, which is neutral and polar, at codon 115 of the GCDH protein (p.Cys115Tyr). This variant is present in population databases (rs776758971, gnomAD 0.008%). This missense change has been observed in individual(s) with glutaric acidemia (PMID: 22728054, 27397597; internal data). In at least one individual the data is consistent with being in trans (on the opposite chromosome) from a pathogenic variant. ClinVar contains an entry for this variant (Variation ID: 863301). Invitae Evidence Modeling of protein sequence and biophysical properties (such as structural, functional, and spatial information, amino acid conservation, physicochemical variation, residue mobility, and thermodynamic stability) indicates that this missense variant is expected to disrupt GCDH protein function with a positive predictive value of 80%. Experimental studies have shown that this missense change affects GCDH function (PMID: 28062662). For these reasons, this variant has been classified as Pathogenic.

Natera, Inc.
Classification: Likely pathogenic for Glutaric acidemia type 1. Last evaluated: 2025-03-11. Review status: criteria provided, single submitter. Criteria: Natera Variant Classification Schema (03/2026). Collection method: clinical testing. Allele origin: germline.
Comment: The c.344G>A variant in GCDH is a missense variant predicted to cause substitution of cysteine to tyrosine at amino acid 115. This variant is rare in the general population with a frequency below the threshold expected for the associated phenotype(s). This variant has been observed in one or more individuals affected with the associated recessive disease, as either homozygous or compound heterozygous with a second variant (PMID: 21820344, 27397597, 21228398, 22771013, 22728054). Computational prediction algorithms indicate this variant is likely to affect gene or protein function. Given the available evidence, this variant is classified as Likely Pathogenic.

Literature cited by the submitters: PubMed 22728054 (cited by Labcorp Genetics (formerly Invitae), Labcorp and Natera, Inc.); PubMed 27397597 (cited by Labcorp Genetics (formerly Invitae), Labcorp and Natera, Inc.); PubMed 28062662 (cited by Labcorp Genetics (formerly Invitae), Labcorp); PubMed 21820344 (cited by Natera, Inc.); PubMed 21228398 (cited by Natera, Inc.); PubMed 22771013 (cited by Natera, Inc.).

NM_000159.4(GCDH):c.344G>A (p.Cys115Tyr)

Gene: GCDH (glutaryl-CoA dehydrogenase; plus strand). Cytogenetic location: 19p13.13.
Variant type: single nucleotide variant.
Coding change: c.344G>A on transcript NM_000159.4 (MANE Select); coding-DNA position 344, G replaced by A.
Protein change: p.Cys115Tyr; replaces cysteine 115 with tyrosine.
Molecular consequence: missense variant. On other transcripts: non-coding transcript variant (2).
Genome position (GRCh38, 1-based): chr19:12,893,492, G>A. VCF-style: chr19-12893492-G-A. GRCh37 (hg19) VCF-style: chr19-13004306-G-A.
Other names: c.344G>A, p.Cys115Tyr (NM_013976.5); short protein forms C115Y.
Identifiers: ClinVar variation 863301 (VCV000863301.15), dbSNP rs776758971, ClinGen allele CA9234371.